The following is an entry in ClinVar:

NM_001122681.2(SH3BP2):c.463G>A (p.Ala155Thr)

Gene: SH3BP2 (SH3 domain binding protein 2; plus strand). Cytogenetic location: 4p16.3.
Variant type: single nucleotide variant.
Coding change: c.463G>A on transcript NM_001122681.2 (MANE Select); coding-DNA position 463, G replaced by A.
Protein change: p.Ala155Thr; replaces alanine 155 with threonine.
Molecular consequence: missense variant.
Genome position (GRCh38, 1-based): chr4:2,827,264, G>A. VCF-style: chr4-2827264-G-A. GRCh37 (hg19) VCF-style: chr4-2828991-G-A.
Other names: c.547G>A, p.Ala183Thr (NM_001145855.2); c.634G>A, p.Ala212Thr (NM_001145856.2); c.463G>A, p.Ala155Thr (NM_003023.4); short protein forms A212T, A183T, A155T.
Identifiers: ClinVar variation 1398507 (VCV001398507.9), dbSNP rs766158687, ClinGen allele CA2819183.

ClinVar aggregate classification (germline): Uncertain significance. Review status: criteria provided, multiple submitters, no conflicts (2 of 4 stars). 2 submissions from 2 submitters: Uncertain significance (2). Last evaluated 2025-07-09.

Conditions:
Fibrous dysplasia of jaw (CRBM). Also called: Cherubism. Identifiers: Orphanet 184, MedGen C0008029, MONDO:0007315, OMIM 118400.

Allele frequency attached by ClinVar (database versions not stated): gnomAD 0.00001; gnomAD exomes 0.00001 and 0.00002; ExAC 0.00002; TOPMed 0.00002.
gnomAD v4.1: 17 of 1,614,072 alleles (0.0011%); highest among the groups gnomAD compares: South Asian, 0.0022%; no homozygotes.

Submissions (2):

Labcorp Genetics (formerly Invitae), Labcorp
Classification: Uncertain significance for Fibrous dysplasia of jaw. Last evaluated: 2025-07-09. Review status: criteria provided, single submitter. Criteria: Invitae Variant Classification Sherloc (09022015). Collection method: clinical testing. Allele origin: germline.
Comment: This sequence change replaces alanine, which is neutral and non-polar, with threonine, which is neutral and polar, at codon 155 of the SH3BP2 protein (p.Ala155Thr). This variant is present in population databases (rs766158687, gnomAD 0.006%). This variant has not been reported in the literature in individuals affected with SH3BP2-related conditions. ClinVar contains an entry for this variant (Variation ID: 1398507). Invitae Evidence Modeling of protein sequence and biophysical properties (such as structural, functional, and spatial information, amino acid conservation, physicochemical variation, residue mobility, and thermodynamic stability) indicates that this missense variant is not expected to disrupt SH3BP2 protein function with a negative predictive value of 95%. In summary, the available evidence is currently insufficient to determine the role of this variant in disease. Therefore, it has been classified as a Variant of Uncertain Significance.

Women's Health and Genetics/Laboratory Corporation of America, LabCorp
Classification: Uncertain significance. Last evaluated: 2025-03-17. Review status: criteria provided, single submitter. Criteria: LabCorp Variant Classification Summary - May 2015. Collection method: clinical testing. Allele origin: germline.
Comment: Variant summary: SH3BP2 c.463G>A (p.Ala155Thr) results in a non-conservative amino acid change in the encoded protein sequence. Two of three in-silico tools predict a benign effect of the variant on protein function. The variant allele was found at a frequency of 2.4e-05 in 251424 control chromosomes (gnomAD). The available data on variant occurrences in the general population are insufficient to allow any conclusion about variant significance. To our knowledge, no occurrence of c.463G>A in individuals affected with Fibrous dysplasia of jaw and no experimental evidence demonstrating its impact on protein function have been reported. ClinVar contains an entry for this variant (Variation ID: 1398507). Based on the evidence outlined above, the variant was classified as uncertain significance.